The following is an entry in ClinVar:

ClinVar aggregate classification (germline): Uncertain significance (1 of 4 stars; one submission).

Submission:

GeneDx
Classification: Uncertain significance. Last evaluated: 2023-07-03. Review status: criteria provided, single submitter. Criteria: GeneDx Variant Classification Process June 2021. Collection method: clinical testing. Allele origin: germline. Affected: yes.
Comment: Not observed at significant frequency in large population cohorts (gnomAD); In silico analysis supports that this missense variant does not alter protein structure/function; Has not been previously published as pathogenic or benign to our knowledge

NM_003923.3(FOXH1):c.350C>T (p.Ala117Val)

Gene: FOXH1 (forkhead box H1; minus strand). Cytogenetic location: 8q24.3.
Variant type: single nucleotide variant.
Coding change: c.350C>T on transcript NM_003923.3 (MANE Select); coding-DNA position 350, C replaced by T.
Protein change: p.Ala117Val; replaces alanine 117 with valine.
Molecular consequence: missense variant.
Genome position (GRCh38, 1-based): chr8:144,474,986, G>A on the plus strand (C>T on the coding strand, the complement: FOXH1 is on the minus strand). VCF-style: chr8-144474986-G-A. GRCh37 (hg19) VCF-style: chr8-145700369-G-A.
Other names: short protein forms A117V.
Identifiers: ClinVar variation 3360666 (VCV003360666.1).
Genomic context (GRCh38, chr8:144,474,986, plus strand): 5'-CGCGCACCTCCGTTCTGCCAGCGCCGGCACAGGGCGGTGTTCTGCAGCCGGAGCGCCTCA[G>A]CTGGGATCAGGCTCACGTCGACCGCCCAGAAGTTGCCCTTGGCCTGGGGCTTTGCAGGGT-3'
Protein context (NP_003914.1, residues 107-127): FWAVDVSLIP[Ala117Val]EALRLQNTAL